The following is an entry in ClinVar:

ClinVar aggregate classification (germline): Benign (1 of 4 stars; one submission).

Conditions:
Familial cancer of breast. Also called: BREAST CANCER, FAMILIAL; Hereditary breast cancer; hereditary breast carcinoma. Identifiers: Orphanet 227535, MedGen C0346153, MONDO:0016419, OMIM 114480. Disease mechanism: loss of function.

Submission:

Myriad Genetics, Inc.
Classification: Benign for Familial cancer of breast. Last evaluated: 2024-05-17. Review status: criteria provided, single submitter. Criteria: Myriad Autosomal Dominant, Autosomal Recessive and X-Linked Classification Criteria (2023). Collection method: clinical testing. Allele origin: unknown.
Comment: This variant is considered benign. This variant is a silent/synonymous amino acid change and it is not expected to impact splicing.

NM_000051.4(ATM):c.4320A>G (p.Lys1440=)

Gene: ATM (ATM serine/threonine kinase; plus strand). Cytogenetic location: 11q22.3.
Variant type: single nucleotide variant.
Coding change: c.4320A>G on transcript NM_000051.4 (MANE Select); coding-DNA position 4320, A replaced by G.
Protein change: p.Lys1440=; no amino-acid change (lysine 1440 retained).
Molecular consequence: synonymous variant.
Genome position (GRCh38, 1-based): chr11:108,289,685, A>G. VCF-style: chr11-108289685-A-G. GRCh37 (hg19) VCF-style: chr11-108160412-A-G.
Other names: c.4320A>G, p.Lys1440= (NM_001351834.2).
Identifiers: ClinVar variation 3254303 (VCV003254303.1), dbSNP rs2082675235.